The following is an entry in ClinVar:

ClinVar aggregate classification (germline): Likely benign. Review status: criteria provided, multiple submitters, no conflicts (2 of 4 stars). 3 submissions from 3 submitters: Likely benign (2). 1 of the submissions does not count toward it. Last evaluated 2026-01-11.

Conditions:
EPM2A-related disorder. Also called: EPM2A-related condition.
Progressive myoclonic epilepsy. Also called: Progressive myoclonus epilepsy; Myoclonus epilepsy; Familial progressive myoclonic epilepsy; Myoclonic Epilepsies, Progressive. Identifiers: Orphanet 308, Orphanet 98261, MedGen C0751778, MONDO:0020074.

Allele frequency attached by ClinVar (database versions not stated): gnomAD 0.00001 and 0.00002; TOPMed 0.00002.
gnomAD v4.1: 21 of 1,614,144 alleles (0.0013%); highest among the groups gnomAD compares: African/African-American, 0.013%; 1 homozygote.

Submissions (3):

Labcorp Genetics (formerly Invitae), Labcorp
Classification: Likely benign for Progressive myoclonic epilepsy. Last evaluated: 2026-01-11. Review status: criteria provided, single submitter. Criteria: Invitae Variant Classification Sherloc (09022015). Collection method: clinical testing. Allele origin: germline.

GeneDx
Classification: Likely benign. Last evaluated: 2017-11-28. Review status: criteria provided, single submitter. Criteria: GeneDx Variant Classification (06012015). Collection method: clinical testing. Allele origin: germline. Affected: yes.
Comment: This variant is considered likely benign or benign based on one or more of the following criteria: it is a conservative change, it occurs at a poorly conserved position in the protein, it is predicted to be benign by multiple in silico algorithms, and/or has population frequency not consistent with disease.

PreventionGenetics, part of Exact Sciences
Classification: Likely benign for EPM2A-related condition. Last evaluated: 2019-03-12. Review status: no assertion criteria provided. Collection method: clinical testing. Allele origin: germline. Not counted in ClinVar's aggregate classification.
Comment: This variant is classified as likely benign based on ACMG/AMP sequence variant interpretation guidelines (Richards et al. 2015 PMID: 25741868, with internal and published modifications).

NM_005670.4(EPM2A):c.744G>A (p.Ala248=)

Gene: EPM2A (EPM2A glucan phosphatase, laforin; minus strand). Cytogenetic location: 6q24.3.
Variant type: single nucleotide variant.
Coding change: c.744G>A on transcript NM_005670.4 (MANE Select); coding-DNA position 744, G replaced by A.
Protein change: p.Ala248=; no amino-acid change (alanine 248 retained).
Molecular consequence: synonymous variant. On other transcripts: missense variant (1), non-coding transcript variant (1).
Genome position (GRCh38, 1-based): chr6:145,627,668, C>T on the plus strand (G>A on the coding strand, the complement: EPM2A is on the minus strand). VCF-style: chr6-145627668-C-T. GRCh37 (hg19) VCF-style: chr6-145948804-C-T.
Other names: c.744G>A, p.Ala248= (NM_001018041.2); c.502G>A, p.Gly168Ser (NM_001360057.2); c.330G>A, p.Ala110= (NM_001360064.2, NM_001360071.2, NM_001368131.1); c.282G>A, p.Ala94= (NM_001368129.2, NM_001368132.1); c.502G>A (NM_001360057.1); short protein forms G168S.
Identifiers: ClinVar variation 383679 (VCV000383679.9), dbSNP rs538717552, ClinGen allele CA16604862.